The following is an entry in ClinVar:

ClinVar aggregate classification (germline): Uncertain significance. Review status: criteria provided, multiple submitters, no conflicts (2 of 4 stars). 2 submissions from 2 submitters: Uncertain significance (2). Last evaluated 2024-07-13.

Conditions:
Colorectal cancer, hereditary nonpolyposis, type 7. Identifiers: Orphanet 144, MedGen C1858380, MONDO:0013725, OMIM 614385.

Allele frequency attached by ClinVar (database versions not stated): TOPMed 0.00002.

Submissions (2):

Ambry Genetics
Classification: Uncertain significance. Last evaluated: 2024-07-13. Review status: criteria provided, single submitter. Criteria: Ambry Variant Classification Scheme 2023. Collection method: clinical testing. Allele origin: germline.
Comment: The p.M1055R variant (also known as c.3164T>G), located in coding exon 1 of the MLH3 gene, results from a T to G substitution at nucleotide position 3164. The methionine at codon 1055 is replaced by arginine, an amino acid with similar properties. This amino acid position is not well conserved in available vertebrate species. In addition, the in silico prediction for this alteration is inconclusive. Since supporting evidence is limited at this time, the clinical significance of this alteration remains unclear.

Labcorp Genetics (formerly Invitae), Labcorp
Classification: Uncertain significance for Colorectal cancer, hereditary nonpolyposis, type 7. Last evaluated: 2022-11-15. Review status: criteria provided, single submitter. Criteria: Invitae Variant Classification Sherloc (09022015). Collection method: clinical testing. Allele origin: germline.
Comment: In summary, the available evidence is currently insufficient to determine the role of this variant in disease. Therefore, it has been classified as a Variant of Uncertain Significance. Algorithms developed to predict the effect of missense changes on protein structure and function (SIFT, PolyPhen-2, Align-GVGD) all suggest that this variant is likely to be tolerated. ClinVar contains an entry for this variant (Variation ID: 1439424). This variant has not been reported in the literature in individuals affected with MLH3-related conditions. This variant is not present in population databases (gnomAD no frequency). This sequence change replaces methionine, which is neutral and non-polar, with arginine, which is basic and polar, at codon 1055 of the MLH3 protein (p.Met1055Arg).

NM_001040108.2(MLH3):c.3164T>G (p.Met1055Arg)

Gene: MLH3 (mutL homolog 3; minus strand). Cytogenetic location: 14q24.3.
Variant type: single nucleotide variant.
Coding change: c.3164T>G on transcript NM_001040108.2 (MANE Select); coding-DNA position 3164, T replaced by G.
Protein change: p.Met1055Arg; replaces methionine 1055 with arginine.
Molecular consequence: missense variant.
Genome position (GRCh38, 1-based): chr14:75,046,492, A>C on the plus strand (T>G on the coding strand, the complement: MLH3 is on the minus strand). VCF-style: chr14-75046492-A-C. GRCh37 (hg19) VCF-style: chr14-75513195-A-C.
Other names: c.3164T>G, p.Met1055Arg (NM_014381.3); short protein forms M1055R.
Identifiers: ClinVar variation 1439424 (VCV001439424.11), dbSNP rs1026561200, ClinGen allele CA390435552.